The following is an entry in ClinVar:

ClinVar aggregate classification (germline): Uncertain significance (1 of 4 stars; one submission).

Conditions:
Progressive myoclonic epilepsy. Also called: Myoclonic Epilepsies, Progressive; Familial progressive myoclonic epilepsy; Progressive myoclonus epilepsy; Myoclonus epilepsy. Identifiers: Orphanet 308, Orphanet 98261, MedGen C0751778, MONDO:0020074.

Submission:

Labcorp Genetics (formerly Invitae), Labcorp
Classification: Uncertain significance for Progressive myoclonic epilepsy. Last evaluated: 2022-08-09. Review status: criteria provided, single submitter. Criteria: Invitae Variant Classification Sherloc (09022015). Collection method: clinical testing. Allele origin: germline.
Comment: In summary, the available evidence is currently insufficient to determine the role of this variant in disease. Therefore, it has been classified as a Variant of Uncertain Significance. Algorithms developed to predict the effect of sequence changes on RNA splicing suggest that this variant may disrupt the consensus splice site. This variant has not been reported in the literature in individuals affected with GOSR2-related conditions. This variant is not present in population databases (gnomAD no frequency). This sequence change falls in intron 5 of the GOSR2 gene. It does not directly change the encoded amino acid sequence of the GOSR2 protein.

NM_004287.5(GOSR2):c.478-7_478-6insAGAACAGAAG

Genes: GOSR2 (golgi SNAP receptor complex member 2; plus strand), LRRC37A2 (leucine rich repeat containing 37 member A2). Cytogenetic location: 17q21.32.
Variant type: Microsatellite.
Coding change: c.478-7_478-6insAGAACAGAAG on transcript NM_004287.5 (MANE Select); 7 bases into the intron before coding-DNA position 478 through 6 bases into the intron before coding-DNA position 478, AGAACAGAAG inserted.
Molecular consequence: intron variant.
Genome position: GRCh38 VCF-style: chr17-46938591-T-TGAGAACAGAA. GRCh37 (hg19) VCF-style: chr17-45015957-T-TGAGAACAGAA.
Other names: c.478-7_478-6insAGAACAGAAG (NM_001321133.2, NM_054022.4); c.424-7_424-6insAGAACAGAAG (NM_001363851.2); c.283-7_283-6insAGAACAGAAG (NM_001321134.2); c.337-7_337-6insAGAACAGAAG (NM_001330252.2); c.475-7_475-6insAGAACAGAAG (NM_001353114.2); c.334-7_334-6insAGAACAGAAG (NM_001353115.2, NM_001353116.2).
Identifiers: ClinVar variation 2022994 (VCV002022994.4), dbSNP rs2546344243.